The following is an entry in ClinVar:

NM_005097.4(LGI1):c.742G>A (p.Glu248Lys)

Gene: LGI1 (leucine rich glioma inactivated 1; plus strand). Cytogenetic location: 10q23.33.
Variant type: single nucleotide variant.
Coding change: c.742G>A on transcript NM_005097.4 (MANE Select); coding-DNA position 742, G replaced by A.
Protein change: p.Glu248Lys; replaces glutamic acid 248 with lysine.
Molecular consequence: missense variant. On other transcripts: non-coding transcript variant (1).
Genome position (GRCh38, 1-based): chr10:93,793,254, G>A. VCF-style: chr10-93793254-G-A. GRCh37 (hg19) VCF-style: chr10-95553011-G-A.
Other names: c.742G>A, p.Glu248Lys (NM_001308275.2); c.598G>A, p.Glu200Lys (NM_001308276.2); short protein forms E200K, E248K.
Identifiers: ClinVar variation 1723487 (VCV001723487.2), dbSNP rs2492906078, ClinGen allele CA377624160.

ClinVar aggregate classification (germline): Uncertain significance (1 of 4 stars; one submission).

Allele frequency attached by ClinVar (database versions not stated): gnomAD exomes below 0.00001.
gnomAD v4.1: 3 of 1,612,950 alleles (0.00019%); highest among the groups gnomAD compares: Non-Finnish European, 0.00025%; no homozygotes.

Submission:

GeneDx
Classification: Uncertain significance. Last evaluated: 2022-05-11. Review status: criteria provided, single submitter. Criteria: GeneDx Variant Classification Process June 2021. Collection method: clinical testing. Allele origin: germline. Affected: yes.
Comment: Not observed at significant frequency in large population cohorts (gnomAD); In silico analysis supports that this missense variant does not alter protein structure/function; Has not been previously published as pathogenic or benign to our knowledge